The following is an entry in ClinVar:

ClinVar aggregate classification (germline): Conflicting classifications of pathogenicity. Review status: criteria provided, conflicting classifications (1 of 4 stars). 7 submissions from 7 submitters: Uncertain significance (5); Likely benign (2). Last evaluated 2025-10-21.

Conditions:
Deafness-encephaloneuropathy-obesity-valvulopathy syndrome. Identifiers: Orphanet 254898, MedGen C3553354, MONDO:0013837, OMIM 614651.

Allele frequency attached by ClinVar (database versions not stated): 1000 Genomes Project 0.00020; gnomAD 0.00045; 1000 Genomes Project 30x 0.00047; TOPMed 0.00078; ESP Exome Variant Server 0.00092.
gnomAD v4.1: 1,556 of 1,612,224 alleles (0.097%); highest among the groups gnomAD compares: Middle Eastern, 0.2%; 2 homozygotes.

Submissions (7):

Mayo Clinic Laboratories, Mayo Clinic
Classification: Uncertain significance. Last evaluated: 2025-10-21. Review status: criteria provided, single submitter. Criteria: ACMG Guidelines, 2015. Collection method: clinical testing. Allele origin: germline. Observed: 2 variant alleles.
Comment: BS1

Blueprint Genetics
Classification: Likely benign. Last evaluated: 2024-11-12. Review status: criteria provided, single submitter. Criteria: ACMG Guidelines, 2015. Collection method: clinical testing. Allele origin: germline.

CeGaT Center for Human Genetics Tuebingen
Classification: Likely benign. Last evaluated: 2024-08-01. Review status: criteria provided, single submitter. Criteria: CeGaT Center For Human Genetics Tuebingen Variant Classification Criteria Version 2. Collection method: clinical testing. Allele origin: germline. Affected: yes. Observed: 2 variant alleles.
Comment: PDSS1: BP4, BS2

Labcorp Genetics (formerly Invitae), Labcorp
Classification: Uncertain significance. Last evaluated: 2022-10-13. Review status: criteria provided, single submitter. Criteria: Invitae Variant Classification Sherloc (09022015). Collection method: clinical testing. Allele origin: germline.
Comment: This sequence change replaces serine, which is neutral and polar, with cysteine, which is neutral and slightly polar, at codon 229 of the PDSS1 protein (p.Ser229Cys). This variant is present in population databases (rs142182789, gnomAD 0.1%), and has an allele count higher than expected for a pathogenic variant. This variant has not been reported in the literature in individuals affected with PDSS1-related conditions. ClinVar contains an entry for this variant (Variation ID: 214986). Advanced modeling of protein sequence and biophysical properties (such as structural, functional, and spatial information, amino acid conservation, physicochemical variation, residue mobility, and thermodynamic stability) performed at Invitae indicates that this missense variant is not expected to disrupt PDSS1 protein function. In summary, the available evidence is currently insufficient to determine the role of this variant in disease. Therefore, it has been classified as a Variant of Uncertain Significance.

GeneDx
Classification: Uncertain significance. Last evaluated: 2018-12-07. Review status: criteria provided, single submitter. Criteria: GeneDx Variant Classification (06012015). Collection method: clinical testing. Allele origin: germline. Affected: yes.
Comment: The S229C variant in the PDSS1 gene has not been published as a pathogenic variant, nor has it been reported as a benign polymorphism to our knowledge. The NHLBI ESP Exome Sequencing Project reports S229C was observed at a frequency of 0.11%, 10/8600 alleles from individuals of European ancestry, indicating it may be a rare variant in this population. No homozygous individuals were identified in this population cohort. The S229C missense substitution is conservative in that both Serine and Cysteine are uncharged, polar amino acids, but the introduction of a Cysteine could affect disulfide bonds in the PDSS1 protein. This change occurs at a highly conserved position in the PDSS1 protein. In-silico analyses are not consistent in their predictions of whether or not S229C is damaging to the PDSS1 protein. Therefore, based on the currently available information, it is unclear whether S229C is a pathogenic variant or a rare benign variant.

Illumina Laboratory Services, Illumina
Classification: Uncertain significance for Deafness-encephaloneuropathy-obesity-valvulopathy syndrome. Last evaluated: 2018-01-13. Review status: criteria provided, single submitter. Criteria: ICSL Variant Classification Criteria 13 December 2019. Collection method: clinical testing. Allele origin: germline.

Breakthrough Genomics
Classification: Uncertain significance. Review status: criteria provided, single submitter. Criteria: ACMG Guidelines, 2015. Collection method: not provided. Allele origin: germline. Inheritance: Autosomal recessive inheritance. Affected: yes.

Literature cited by the submitters: PubMed 35982159 (cited by Mayo Clinic Laboratories, Mayo Clinic).

NM_014317.5(PDSS1):c.686C>G (p.Ser229Cys)

Gene: PDSS1 (decaprenyl diphosphate synthase subunit 1; plus strand). Cytogenetic location: 10p12.1.
Variant type: single nucleotide variant.
Coding change: c.686C>G on transcript NM_014317.5 (MANE Select); coding-DNA position 686, C replaced by G.
Protein change: p.Ser229Cys; replaces serine 229 with cysteine.
Molecular consequence: missense variant.
Genome position (GRCh38, 1-based): chr10:26,723,882, C>G. VCF-style: chr10-26723882-C-G. GRCh37 (hg19) VCF-style: chr10-27012811-C-G.
Other names: p.Ser229Cys; c.686C>G, p.Ser229Cys (NM_001321978.2); c.176C>G, p.Ser59Cys (NM_001321979.2); short protein forms S229C, S59C.
Identifiers: ClinVar variation 214986 (VCV000214986.35), dbSNP rs142182789, ClinGen allele CA320034.